The following is an entry in ClinVar:

NM_002336.3(LRP6):c.568G>T (p.Asp190Tyr)

Gene: LRP6 (LDL receptor related protein 6; minus strand). Cytogenetic location: 12p13.2.
Variant type: single nucleotide variant.
Coding change: c.568G>T on transcript NM_002336.3 (MANE Select); coding-DNA position 568, G replaced by T.
Protein change: p.Asp190Tyr; replaces aspartic acid 190 with tyrosine.
Molecular consequence: missense variant. On other transcripts: non-coding transcript variant (1), intron variant (1).
Genome position (GRCh38, 1-based): chr12:12,203,282, C>A on the plus strand (G>T on the coding strand, the complement: LRP6 is on the minus strand). VCF-style: chr12-12203282-C-A. GRCh37 (hg19) VCF-style: chr12-12356216-C-A.
Other names: c.568G>T, p.Asp190Tyr (NM_001414244.1, NM_001414245.1, NM_001414246.1 and 5 more transcripts); c.115G>T, p.Asp39Tyr (NM_001414252.1, NM_001414253.1, NM_001414254.1); c.450-16163G>T (NM_001414247.1); short protein forms D190Y, D39Y.
Identifiers: ClinVar variation 4074582 (VCV004074582.1).

ClinVar aggregate classification (germline): Uncertain significance (1 of 4 stars; one submission).

Submission:

GeneDx
Classification: Uncertain significance. Last evaluated: 2025-02-05. Review status: criteria provided, single submitter. Criteria: GeneDx Variant Classification Process June 2021. Collection method: clinical testing. Allele origin: germline. Affected: yes.
Comment: Not observed at significant frequency in large population cohorts (gnomAD); In silico analysis supports that this missense variant has a deleterious effect on protein structure/function; Has not been previously published as pathogenic or benign to our knowledge